The following is an entry in ClinVar:

NM_000257.4(MYH7):c.1759G>C (p.Asp587His)

Gene: MYH7 (myosin heavy chain 7; minus strand). Cytogenetic location: 14q11.2.
Variant type: single nucleotide variant.
Coding change: c.1759G>C on transcript NM_000257.4 (MANE Select); coding-DNA position 1759, G replaced by C.
Protein change: p.Asp587His; replaces aspartic acid 587 with histidine.
Molecular consequence: missense variant.
Genome position (GRCh38, 1-based): chr14:23,427,714, C>G on the plus strand (G>C on the coding strand, the complement: MYH7 is on the minus strand). VCF-style: chr14-23427714-C-G. GRCh37 (hg19) VCF-style: chr14-23896923-C-G.
Other names: short protein forms D587H.
Identifiers: ClinVar variation 581833 (VCV000581833.8), dbSNP rs727504294, ClinGen allele CA389049882.

ClinVar aggregate classification (germline): Likely pathogenic (1 of 4 stars; one submission).

Conditions:
Hypertrophic cardiomyopathy. Also called: HYPERTROPHIC MYOCARDIOPATHY. Identifiers: Orphanet 217569, MedGen C0007194, MeSH D002312, MONDO:0005045, HP:0001639.

Submission:

Labcorp Genetics (formerly Invitae), Labcorp
Classification: Likely pathogenic for Hypertrophic cardiomyopathy. Last evaluated: 2018-03-14. Review status: criteria provided, single submitter. Criteria: Invitae Variant Classification Sherloc (09022015). Collection method: clinical testing. Allele origin: germline.
Comment: This sequence change replaces aspartic acid with histidine at codon 587 of the MYH7 protein (p.Asp587His). The aspartic acid residue is highly conserved and there is a moderate physicochemical difference between aspartic acid and histidine. This variant is not present in population databases (ExAC no frequency). This variant has been reported in individuals affected with hypertrophic cardiomyopathy (PMID: 23782526, Invitae). A computational algorithm designed to assess the pathogenicity of variants in MYH7 with regard to hypertrophic cardiomyopathy predicted this sequence change to be deleterious. The algorithm has a sensitivity of 94% and a specificity of 89% (PMID: 21310275). Other missense substitutions at this codon (p.Asp587Val, p.Asp587Asn) have been reported in individuals affected with hypertrophic cardiomyopathy (PMID: 7648684, 27532257). In summary, the currently available evidence indicates that the variant is pathogenic, but additional data are needed to prove that conclusively. Therefore, this variant has been classified as Likely Pathogenic.

Literature cited by the submitters: PubMed 23782526; PubMed 21310275; PubMed 7648684; PubMed 27532257.